The following is an entry in ClinVar:

ClinVar aggregate classification (germline): Uncertain significance (1 of 4 stars; one submission).

Allele frequency attached by ClinVar (database versions not stated): gnomAD exomes 0.00003; ExAC 0.00009.
gnomAD v4.1: 19 of 1,532,470 alleles (0.0012%); highest among the groups gnomAD compares: South Asian, 0.018%; 1 homozygote.

Submission:

Labcorp Genetics (formerly Invitae), Labcorp
Classification: Uncertain significance. Last evaluated: 2023-07-17. Review status: criteria provided, single submitter. Criteria: Invitae Variant Classification Sherloc (09022015). Collection method: clinical testing. Allele origin: germline.
Comment: In summary, the available evidence is currently insufficient to determine the role of this variant in disease. Therefore, it has been classified as a Variant of Uncertain Significance. An algorithm developed to predict the effect of missense changes on protein structure and function (PolyPhen-2) suggests that this variant is likely to be disruptive. ClinVar contains an entry for this variant (Variation ID: 1402536). This variant has not been reported in the literature in individuals affected with ESPN-related conditions. This variant is present in population databases (rs759497805, gnomAD 0.02%). This sequence change replaces proline, which is neutral and non-polar, with alanine, which is neutral and non-polar, at codon 73 of the ESPN protein (p.Pro73Ala).

NM_031475.3(ESPN):c.217C>G (p.Pro73Ala)

Gene: ESPN (espin; plus strand). Cytogenetic location: 1p36.31.
Variant type: single nucleotide variant.
Coding change: c.217C>G on transcript NM_031475.3 (MANE Select); coding-DNA position 217, C replaced by G.
Protein change: p.Pro73Ala; replaces proline 73 with alanine.
Molecular consequence: missense variant.
Genome position (GRCh38, 1-based): chr1:6,425,172, C>G. VCF-style: chr1-6425172-C-G. GRCh37 (hg19) VCF-style: chr1-6485232-C-G.
Other names: c.217C>G, p.Pro73Ala (NM_001367473.1, NM_001367474.1); short protein forms P73A.
Identifiers: ClinVar variation 1402536 (VCV001402536.6), dbSNP rs759497805, ClinGen allele CA559833.